The following is an entry in ClinVar:

ClinVar aggregate classification (germline): Uncertain significance (1 of 4 stars; one submission).

Conditions:
Mucopolysaccharidosis, MPS-IV-A (MPS4A). Also called: Mucopolysaccharidosis type IV A; Mucopolysaccharidosis Type IVA; Morquio syndrome A, mild; MORQUIO SYNDROME A; MPS IVA; mucopolysaccharidosis type 4A. Identifiers: Orphanet 309297, Orphanet 582, MedGen C0086651, MONDO:0009659, OMIM 253000.

Submission:

Laboratory of Diagnosis and Therapy of Lysosomal Disorders, University of Padova
Classification: Uncertain significance for Mucopolysaccharidosis, MPS-IV-A. Last evaluated: 2021-02-01. Review status: criteria provided, single submitter. Criteria: ACMG Guidelines, 2015. Collection method: research. Allele origin: germline. Affected: yes.
Comment: In vivo functional studies supportive of a damaging effect on the gene product (low to null enzymatic activity in homozygotes; PS3_supporting); absent from gnomAD v2.1.1 (PM2_moderate); multiple lines of computational evidence support a deleterious effect on the gene (PP3_supporting)

Literature cited by the submitters: PubMed 34387910.

NM_000512.5(GALNS):c.956G>C (p.Arg319Thr)

Gene: GALNS (galactosamine (N-acetyl)-6-sulfatase; minus strand). Cytogenetic location: 16q24.3.
Variant type: single nucleotide variant.
Coding change: c.956G>C on transcript NM_000512.5 (MANE Select); coding-DNA position 956, G replaced by C.
Protein change: p.Arg319Thr; replaces arginine 319 with threonine.
Molecular consequence: missense variant.
Genome position (GRCh38, 1-based): chr16:88,832,044, C>G on the plus strand (G>C on the coding strand, the complement: GALNS is on the minus strand). VCF-style: chr16-88832044-C-G. GRCh37 (hg19) VCF-style: chr16-88898452-C-G.
Other names: c.401G>C, p.Arg134Thr (NM_001323543.2); c.974G>C, p.Arg325Thr (NM_001323544.2); short protein forms R134T, R319T, R325T.
Identifiers: ClinVar variation 1048313 (VCV001048313.3), dbSNP rs377744312, ClinGen allele CA397101181.